The following is an entry in ClinVar:

ClinVar aggregate classification (germline): Uncertain significance (1 of 4 stars; one submission).

Conditions:
LAMA2-related muscular dystrophy (LAMA2-RD). Also called: Laminin alpha 2-related dystrophy. Identifiers: MedGen C5679788, MONDO:0100228.

Submission:

Labcorp Genetics (formerly Invitae), Labcorp
Classification: Uncertain significance for LAMA2-related muscular dystrophy. Last evaluated: 2024-01-04. Review status: criteria provided, single submitter. Criteria: Invitae Variant Classification Sherloc (09022015). Collection method: clinical testing. Allele origin: unknown.
Comment: This variant is a gross deletion of the genomic region encompassing exon(s) 12 of the LAMA2 gene. This variant would be expected to be in-frame, preserving the integrity of the reading frame. This variant has not been reported in the literature in individuals affected with LAMA2-related conditions. Experimental studies and prediction algorithms are not available or were not evaluated, and the functional significance of this variant is currently unknown. In summary, the available evidence is currently insufficient to determine the role of this variant in disease. Therefore, it has been classified as a Variant of Uncertain Significance.

NC_000006.11:g.(?_129513805)_(129514018_?)del

Gene: LAMA2 (laminin subunit alpha 2; plus strand). Cytogenetic location: 6q22.33.
Variant type: Deletion.
Identifiers: ClinVar variation 3246051 (VCV003246051.1).